The following is an entry in ClinVar:

NM_170606.3(KMT2C):c.1795G>T (p.Asp599Tyr)

Gene: KMT2C (lysine methyltransferase 2C; minus strand). Cytogenetic location: 7q36.1.
Variant type: single nucleotide variant.
Coding change: c.1795G>T on transcript NM_170606.3 (MANE Select); coding-DNA position 1795, G replaced by T.
Protein change: p.Asp599Tyr; replaces aspartic acid 599 with tyrosine.
Molecular consequence: missense variant.
Genome position (GRCh38, 1-based): chr7:152,249,894, C>A on the plus strand (G>T on the coding strand, the complement: KMT2C is on the minus strand). VCF-style: chr7-152249894-C-A. GRCh37 (hg19) VCF-style: chr7-151946979-C-A.
Other names: c.1795G>T (NM_170606.2); short protein forms D599Y.
Identifiers: ClinVar variation 134743 (VCV000134743.40), dbSNP rs141579002, ClinGen allele CA160659.

ClinVar aggregate classification (germline): Likely benign. Review status: criteria provided, multiple submitters, no conflicts (2 of 4 stars). 4 submissions from 4 submitters: Likely benign (3). 1 of the submissions does not count toward it. Last evaluated 2025-01-31.

Conditions:
Inborn genetic diseases. Identifiers: MedGen C0950123, MeSH D030342.

Allele frequency attached by ClinVar (database versions not stated): gnomAD exomes 0.00006 and 0.00010; ExAC 0.00010; ESP Exome Variant Server 0.00038; TOPMed 0.00041; gnomAD 0.00044 and 0.00046; 1000 Genomes Project 0.00080; 1000 Genomes Project 30x 0.00109.
gnomAD v4.1: 163 of 1,597,610 alleles (0.01%); highest among the groups gnomAD compares: African/African-American, 0.17%; no homozygotes.

Submissions (4):

Labcorp Genetics (formerly Invitae), Labcorp
Classification: Likely benign. Last evaluated: 2025-01-31. Review status: criteria provided, single submitter. Criteria: Invitae Variant Classification Sherloc (09022015). Collection method: clinical testing. Allele origin: germline.

CeGaT Center for Human Genetics Tuebingen
Classification: Likely benign. Last evaluated: 2024-10-01. Review status: criteria provided, single submitter. Criteria: CeGaT Center For Human Genetics Tuebingen Variant Classification Criteria Version 2. Collection method: clinical testing. Allele origin: germline. Affected: yes. Observed: 5 variant alleles.
Comment: KMT2C: BP4, BS1

Ambry Genetics
Classification: Likely benign for Inborn genetic diseases. Last evaluated: 2021-09-01. Review status: criteria provided, single submitter. Criteria: Ambry Variant Classification Scheme 2023. Collection method: clinical testing. Allele origin: germline.

ITMI
No classification provided. Condition: AllHighlyPenetrant. Last evaluated: 2013-09-19. Review status: no classification provided. Collection method: reference population. Allele origin: germline. Not counted in ClinVar's aggregate classification.
Comment: Please see associated publication for description of ethnicities

Literature cited by the submitters: PubMed 24728327 (cited by ITMI).